The following is an entry in ClinVar:

ClinVar aggregate classification (germline): Pathogenic. Review status: reviewed by expert panel (3 of 4 stars). 2 submissions from 2 submitters: Pathogenic (1). 1 of the submissions does not count toward it. Last evaluated 2016-10-18.

Conditions:
Breast-ovarian cancer, familial, susceptibility to, 2 (BROVCA2). Also called: BRCA2 Hereditary Breast and Ovarian Cancer. Identifiers: Orphanet 145, MedGen C2675520, MONDO:0012933, OMIM 612555. Disease mechanism: loss of function.

Submissions (2):

Evidence-based Network for the Interpretation of Germline Mutant Alleles (ENIGMA)
Classification: Pathogenic for Breast-ovarian cancer, familial, susceptibility to, 2. Last evaluated: 2016-10-18. Review status: reviewed by expert panel. Criteria: ENIGMA BRCA1/2 Classification Criteria (2015). Collection method: curation. Allele origin: germline.
Comment: Variant allele predicted to encode a truncated non-functional protein.

Consortium of Investigators of Modifiers of BRCA1/2 (CIMBA), c/o University of Cambridge
Classification: Pathogenic for Breast-ovarian cancer, familial, susceptibility to, 2. Last evaluated: 2015-10-02. Review status: criteria provided, single submitter. Criteria: CIMBA Mutation Classification guidelines May 2016. Collection method: clinical testing. Allele origin: germline. Not counted in ClinVar's aggregate classification.

NM_000059.4(BRCA2):c.1189_1190insCAAC (p.Gln397fs)

Gene: BRCA2 (BRCA2 DNA repair associated; plus strand). Cytogenetic location: 13q13.1.
Variant type: Insertion.
Coding change: c.1189_1190insCAAC on transcript NM_000059.4 (MANE Select); coding-DNA positions 1189 to 1190, CAAC inserted.
Protein change: p.Gln397fs; shifts the reading frame from glutamine 397.
Molecular consequence: frameshift variant.
Genome position: GRCh38 VCF-style: chr13-32332666-T-TCCAA. GRCh37 (hg19) VCF-style: chr13-32906803-T-TCCAA.
Other names: 1417insCAAC; short protein forms Q397fs.
Identifiers: ClinVar variation 266613 (VCV000266613.5), dbSNP rs1555281768, ClinGen allele CA10589074.